The following is an entry in ClinVar:

ClinVar aggregate classification (germline): Uncertain significance (1 of 4 stars; one submission).

Conditions:
Mucopolysaccharidosis, MPS-III-A (MPS3A). Also called: HEPARAN SULFATE SULFATASE DEFICIENCY; SANFILIPPO SYNDROME A; SULFAMIDASE DEFICIENCY; MPS III A; Mucopolysaccharidosis type IIIA (Sanfilippo A); Mucopolysaccharidosis, type IIIA. Identifiers: Orphanet 581, Orphanet 79269, MedGen C0086647, MONDO:0009655, OMIM 252900.

gnomAD v4.1: 1 of 1,523,032 alleles (0.000066%); highest among the groups gnomAD compares: South Asian, 0.0012%; no homozygotes.

Submission:

Labcorp Genetics (formerly Invitae), Labcorp
Classification: Uncertain significance for Mucopolysaccharidosis, MPS-III-A. Last evaluated: 2024-03-26. Review status: criteria provided, single submitter. Criteria: Invitae Variant Classification Sherloc (09022015). Collection method: clinical testing. Allele origin: germline.
Comment: This sequence change replaces arginine, which is basic and polar, with leucine, which is neutral and non-polar, at codon 21 of the SGSH protein (p.Arg21Leu). This variant is not present in population databases (gnomAD no frequency). This variant has not been reported in the literature in individuals affected with SGSH-related conditions. Advanced modeling of protein sequence and biophysical properties (such as structural, functional, and spatial information, amino acid conservation, physicochemical variation, residue mobility, and thermodynamic stability) has been performed at Invitae for this missense variant, however the output from this modeling did not meet the statistical confidence thresholds required to predict the impact of this variant on SGSH protein function. In summary, the available evidence is currently insufficient to determine the role of this variant in disease. Therefore, it has been classified as a Variant of Uncertain Significance.

NM_000199.5(SGSH):c.62G>T (p.Arg21Leu)

Gene: SGSH (N-sulfoglucosamine sulfohydrolase; minus strand). Cytogenetic location: 17q25.3.
Variant type: single nucleotide variant.
Coding change: c.62G>T on transcript NM_000199.5 (MANE Select); coding-DNA position 62, G replaced by T.
Protein change: p.Arg21Leu; replaces arginine 21 with leucine.
Molecular consequence: missense variant. On other transcripts: non-coding transcript variant (1).
Genome position (GRCh38, 1-based): chr17:80,220,252, C>A on the plus strand (G>T on the coding strand, the complement: SGSH is on the minus strand). VCF-style: chr17-80220252-C-A. GRCh37 (hg19) VCF-style: chr17-78194051-C-A.
Other names: c.62G>T, p.Arg21Leu (NM_001352921.3, NM_001352922.2); short protein forms R21L.
Identifiers: ClinVar variation 3699007 (VCV003699007.2).
Genomic context (GRCh38, chr17:80,220,252, plus strand): 5'-CAGGTGGGCGTGGGGGGGCGGCGCCGGCACTCACCGAGGAGCAGCAGTGCGTTCCGGGGA[C>A]GCGCCCGGCAGAGCCCCAGGACTAGCAGCAGCGCGCAGCAGGCGGGCACGGGGCAGCTCA-3'
Protein context (NP_000190.1, residues 11-31): LLLVLGLCRA[Arg21Leu]PRNALLLLAD